The following is an entry in ClinVar:

ClinVar aggregate classification (germline): Uncertain significance (1 of 4 stars; one submission).

Conditions:
RASopathy. Also called: Noonan spectrum disorder; rasopathies. Identifiers: Orphanet 536391, MedGen C5555857, MONDO:0021060.

gnomAD v4.1: 1 of 1,609,812 alleles (0.000062%); highest among the groups gnomAD compares: Non-Finnish European, 0.000085%; no homozygotes.

Submission:

Labcorp Genetics (formerly Invitae), Labcorp
Classification: Uncertain significance for RASopathy. Last evaluated: 2025-06-27. Review status: criteria provided, single submitter. Criteria: Invitae Variant Classification Sherloc (09022015). Collection method: clinical testing. Allele origin: germline.
Comment: This sequence change replaces isoleucine, which is neutral and non-polar, with threonine, which is neutral and polar, at codon 733 of the SOS1 protein (p.Ile733Thr). This variant is not present in population databases (gnomAD no frequency). This variant has not been reported in the literature in individuals affected with SOS1-related conditions. Invitae Evidence Modeling of protein sequence and biophysical properties (such as structural, functional, and spatial information, amino acid conservation, physicochemical variation, residue mobility, and thermodynamic stability) has been performed for this missense variant. However, the output from this modeling did not meet the statistical confidence thresholds required to predict the impact of this variant on SOS1 protein function. This variant disrupts the p.Ile733 amino acid residue in SOS1. Other variant(s) that disrupt this residue have been determined to be pathogenic (PMID: 17143282, 20186801, 21387466). This suggests that this residue is clinically significant, and that variants that disrupt this residue are likely to be disease-causing. In summary, the available evidence is currently insufficient to determine the role of this variant in disease. Therefore, it has been classified as a Variant of Uncertain Significance.

Literature cited by the submitters: PubMed 17143282; PubMed 20186801; PubMed 21387466.

NM_005633.4(SOS1):c.2198T>C (p.Ile733Thr)

Gene: SOS1 (SOS Ras/Rac guanine nucleotide exchange factor 1; minus strand). Cytogenetic location: 2p22.1.
Variant type: single nucleotide variant.
Coding change: c.2198T>C on transcript NM_005633.4 (MANE Select); coding-DNA position 2198, T replaced by C.
Protein change: p.Ile733Thr; replaces isoleucine 733 with threonine.
Molecular consequence: missense variant.
Genome position (GRCh38, 1-based): chr2:39,012,318, A>G on the plus strand (T>C on the coding strand, the complement: SOS1 is on the minus strand). VCF-style: chr2-39012318-A-G. GRCh37 (hg19) VCF-style: chr2-39239459-A-G.
Other names: c.2177T>C, p.Ile726Thr (NM_001382394.1); c.2198T>C, p.Ile733Thr (NM_001382395.1); short protein forms I726T, I733T.
Identifiers: ClinVar variation 4747099 (VCV004747099.1).